The following is an entry in ClinVar:

NM_006662.3(SRCAP):c.7517C>T (p.Thr2506Ile)

Gene: SRCAP (Snf2 related CREBBP activator protein; plus strand). Cytogenetic location: 16p11.2.
Variant type: single nucleotide variant.
Coding change: c.7517C>T on transcript NM_006662.3 (MANE Select); coding-DNA position 7517, C replaced by T.
Protein change: p.Thr2506Ile; replaces threonine 2506 with isoleucine.
Molecular consequence: missense variant.
Genome position (GRCh38, 1-based): chr16:30,737,557, C>T. VCF-style: chr16-30737557-C-T. GRCh37 (hg19) VCF-style: chr16-30748878-C-T.
Other names: short protein forms T2506I.
Identifiers: ClinVar variation 3610254 (VCV003610254.2).

ClinVar aggregate classification (germline): Uncertain significance (1 of 4 stars; one submission).

gnomAD v4.1: 2 of 1,613,796 alleles (0.00012%); highest among the groups gnomAD compares: African/African-American, 0.0013%; no homozygotes.

Submission:

Labcorp Genetics (formerly Invitae), Labcorp
Classification: Uncertain significance. Last evaluated: 2024-05-01. Review status: criteria provided, single submitter. Criteria: Invitae Variant Classification Sherloc (09022015). Collection method: clinical testing. Allele origin: germline.
Comment: This sequence change replaces threonine, which is neutral and polar, with isoleucine, which is neutral and non-polar, at codon 2506 of the SRCAP protein (p.Thr2506Ile). This variant is not present in population databases (gnomAD no frequency). This variant has not been reported in the literature in individuals affected with SRCAP-related conditions. Advanced modeling of protein sequence and biophysical properties (such as structural, functional, and spatial information, amino acid conservation, physicochemical variation, residue mobility, and thermodynamic stability) performed at Invitae indicates that this missense variant is not expected to disrupt SRCAP protein function with a negative predictive value of 80%. In summary, the available evidence is currently insufficient to determine the role of this variant in disease. Therefore, it has been classified as a Variant of Uncertain Significance.